The following is an entry in ClinVar:

ClinVar aggregate classification (germline): Benign. Review status: criteria provided, multiple submitters, no conflicts (2 of 4 stars). 5 submissions from 5 submitters: Benign (4). 1 of the submissions does not count toward it. Last evaluated 2026-01-29.

Conditions:
FTCD-related disorder. Also called: FTCD-related condition.
Glutamate formiminotransferase deficiency. Also called: Arakawa syndrome 1; Formiminoglutamic aciduria. Identifiers: Orphanet 51208, MedGen C0268609, MONDO:0009240, OMIM 229100.

Allele frequency attached by ClinVar (database versions not stated): ESP Exome Variant Server 0.06663; TOPMed 0.07010; gnomAD 0.07442 and 0.07749; 1000 Genomes Project 30x 0.08635; 1000 Genomes Project 0.08846; gnomAD exomes 0.08994; ExAC 0.19205.
gnomAD v4.1: 138,530 of 1,571,930 alleles (8.8%); highest among the groups gnomAD compares: South Asian, 17%; 6,808 homozygotes.

Submissions (5):

Labcorp Genetics (formerly Invitae), Labcorp
Classification: Benign for Glutamate formiminotransferase deficiency. Last evaluated: 2026-01-29. Review status: criteria provided, single submitter. Criteria: Invitae Variant Classification Sherloc (09022015). Collection method: clinical testing. Allele origin: germline.

Blueprint Genetics
Classification: Benign. Last evaluated: 2024-11-28. Review status: criteria provided, single submitter. Criteria: ACMG Guidelines, 2015. Collection method: clinical testing. Allele origin: germline.

Eurofins Ntd Llc (ga)
Classification: Benign. Last evaluated: 2017-06-07. Review status: criteria provided, single submitter. Criteria: EGL Classification Definitions 2015. Collection method: clinical testing. Allele origin: germline. Observed: 20 variant alleles, 9 heterozygotes, 11 homozygotes.

Breakthrough Genomics
Classification: Benign. Review status: criteria provided, single submitter. Criteria: ACMG Guidelines, 2015. Collection method: not provided. Allele origin: germline. Inheritance: Autosomal recessive inheritance. Affected: yes.

PreventionGenetics, part of Exact Sciences
Classification: Benign for FTCD-related condition. Last evaluated: 2019-03-29. Review status: no assertion criteria provided. Collection method: clinical testing. Allele origin: germline. Not counted in ClinVar's aggregate classification.
Comment: This variant is classified as benign based on ACMG/AMP sequence variant interpretation guidelines (Richards et al. 2015 PMID: 25741868, with internal and published modifications).

NM_206965.2(FTCD):c.417G>A (p.Pro139=)

Genes: FTCD (formimidoyltransferase cyclodeaminase; minus strand), FTCD-AS1 (FTCD antisense RNA 1; plus strand). Cytogenetic location: 21q22.3.
Variant type: single nucleotide variant.
Coding change: c.417G>A on transcript NM_206965.2 (MANE Select); coding-DNA position 417, G replaced by A.
Protein change: p.Pro139=; no amino-acid change (proline 139 retained).
Molecular consequence: synonymous variant.
Genome position (GRCh38, 1-based): chr21:46,151,931, C>T on the plus strand (G>A on the coding strand, the complement: FTCD is on the minus strand). VCF-style: chr21-46151931-C-T. GRCh37 (hg19) VCF-style: chr21-47571845-C-T.
Other names: c.417G>A, p.Pro139= (NM_001320412.2, NM_006657.3); c.417G>A (NM_001320412.1).
Identifiers: ClinVar variation 95426 (VCV000095426.17), dbSNP rs61729391, ClinGen allele CA148530.